The following is an entry in ClinVar:

NM_016277.5(RAB23):c.142G>T (p.Glu48Ter)

Gene: RAB23 (RAB23, member RAS oncogene family; minus strand). Cytogenetic location: 6p11.2.
Variant type: single nucleotide variant.
Coding change: c.142G>T on transcript NM_016277.5 (MANE Select); coding-DNA position 142, G replaced by T.
Protein change: p.Glu48Ter; replaces glutamic acid 48 with a stop codon.
Molecular consequence: nonsense. On other transcripts: non-coding transcript variant (1).
Genome position (GRCh38, 1-based): chr6:57,210,239, C>A on the plus strand (G>T on the coding strand, the complement: RAB23 is on the minus strand). VCF-style: chr6-57210239-C-A. GRCh37 (hg19) VCF-style: chr6-57075037-C-A.
Other names: c.142G>T, p.Glu48Ter (NM_001278666.2, NM_001278667.2, NM_001278668.2 and 1 more transcripts); short protein forms E48*.
Identifiers: ClinVar variation 963114 (VCV000963114.7), dbSNP rs1765602287, ClinGen allele CA364626847.

ClinVar aggregate classification (germline): Pathogenic (1 of 4 stars; one submission).

Conditions:
Carpenter syndrome. Identifiers: Orphanet 65759, MedGen C1275078, MONDO:0019012.

Submission:

Labcorp Genetics (formerly Invitae), Labcorp
Classification: Pathogenic for Carpenter syndrome. Last evaluated: 2022-06-09. Review status: criteria provided, single submitter. Criteria: Invitae Variant Classification Sherloc (09022015). Collection method: clinical testing. Allele origin: germline.
Comment: This variant is not present in population databases (gnomAD no frequency). This sequence change creates a premature translational stop signal (p.Glu48*) in the RAB23 gene. It is expected to result in an absent or disrupted protein product. Loss-of-function variants in RAB23 are known to be pathogenic (PMID: 17503333, 21412941). For these reasons, this variant has been classified as Pathogenic. ClinVar contains an entry for this variant (Variation ID: 963114). This variant has not been reported in the literature in individuals affected with RAB23-related conditions.

Literature cited by the submitters: PubMed 17503333; PubMed 21412941.